The following is an entry in ClinVar:

ClinVar aggregate classification (germline): Likely benign (1 of 4 stars; one submission).

Conditions:
Leigh syndrome (NULS). Also called: Leigh's necrotizing encephalopathy; Leigh's disease; Leigh Syndrome (mtDNA deletion); Leigh Disease; Subacute necrotizing encephalopathy; Necrotizing encephalopathy infantile subacute of Leigh. Identifiers: Orphanet 506, MedGen C2931891, MONDO:0009723, OMIM 256000.

Submission:

Wong Mito Lab, Molecular and Human Genetics, Baylor College of Medicine
Classification: Likely benign for Leigh syndrome. Last evaluated: 2019-10-17. Review status: criteria provided, single submitter. Criteria: Modified ACMG Guidelines (Unpublished). Collection method: clinical testing. Allele origin: germline.
Comment: The NC_012920.1:m.3368T>C (YP_003024026.1:p.Met21Thr) variant in MTND1 gene is interpretated to be a Likely Benign variant based on the modified ACMG guidelines (unpublished). This variant meets the following evidence codes: BS1, BP4, BP5

NC_012920.1(MT-ND1):m.3368T>C

Gene: MT-ND1 (mitochondrially encoded NADH dehydrogenase 1; plus strand).
Variant type: single nucleotide variant.
Genome position: chrM-3368-T-C.
Identifiers: ClinVar variation 692345 (VCV000692345.1), dbSNP rs1603218920, ClinGen allele CA414772633.